The following is an entry in ClinVar:

NM_001134363.3(RBM20):c.2632C>T (p.Pro878Ser)

Gene: RBM20 (RNA binding motif protein 20; plus strand). Cytogenetic location: 10q25.2.
Variant type: single nucleotide variant.
Coding change: c.2632C>T on transcript NM_001134363.3 (MANE Select); coding-DNA position 2632, C replaced by T.
Protein change: p.Pro878Ser; replaces proline 878 with serine.
Molecular consequence: missense variant.
Genome position (GRCh38, 1-based): chr10:110,820,153, C>T. VCF-style: chr10-110820153-C-T. GRCh37 (hg19) VCF-style: chr10-112579911-C-T.
Other names: short protein forms P878S.
Identifiers: ClinVar variation 2829514 (VCV002829514.3), dbSNP rs1380398520, ClinGen allele CA378376965.
Genomic context (GRCh38, chr10:110,820,153, plus strand): 5'-GGCATGGAAGAAAGCCCTCAATCAGTGGGCAGACAGGAGAAAGAAGCAGAGTTCTCTGAT[C>T]CGGAAAACACAAGGACAAAGAAGGTAAAGTTTGTTTCAGATTCTGCACTTCTGCCATGAG-3'
Protein context (NP_001127835.2, residues 868-888): RQEKEAEFSD[Pro878Ser]ENTRTKKEQD

ClinVar aggregate classification (germline): Uncertain significance (1 of 4 stars; one submission).

Conditions:
Dilated cardiomyopathy 1DD (CMD1DD). Identifiers: Orphanet 154, MedGen C2750995, MONDO:0013168, OMIM 613172.

Submission:

Labcorp Genetics (formerly Invitae), Labcorp
Classification: Uncertain significance for Dilated cardiomyopathy 1DD. Last evaluated: 2024-10-29. Review status: criteria provided, single submitter. Criteria: Invitae Variant Classification Sherloc (09022015). Collection method: clinical testing. Allele origin: germline.
Comment: This sequence change replaces proline, which is neutral and non-polar, with serine, which is neutral and polar, at codon 878 of the RBM20 protein (p.Pro878Ser). This variant is not present in population databases (gnomAD no frequency). This variant has not been reported in the literature in individuals affected with RBM20-related conditions. ClinVar contains an entry for this variant (Variation ID: 2829514). Invitae Evidence Modeling of protein sequence and biophysical properties (such as structural, functional, and spatial information, amino acid conservation, physicochemical variation, residue mobility, and thermodynamic stability) indicates that this missense variant is not expected to disrupt RBM20 protein function with a negative predictive value of 95%. In summary, the available evidence is currently insufficient to determine the role of this variant in disease. Therefore, it has been classified as a Variant of Uncertain Significance.